The following is an entry in ClinVar:

NM_007194.4(CHEK2):c.658dup (p.Tyr220fs)

Gene: CHEK2 (checkpoint kinase 2; minus strand). Cytogenetic location: 22q12.1.
Variant type: Duplication.
Coding change: c.658dup on transcript NM_007194.4 (MANE Select); coding-DNA position 658, one base duplicated (T; older notation c.658dupT).
Protein change: p.Tyr220fs; shifts the reading frame from tyrosine 220.
Molecular consequence: frameshift variant. On other transcripts: 5 prime UTR variant (2), intron variant (1).
Genome position (GRCh38, 1-based): chr22:28,719,420, A duplicated on the plus strand (T on the coding strand, the reverse complement: CHEK2 is on the minus strand). VCF-style (leftmost placement, unchanged base first): chr22-28719419-T-TA. GRCh37 (hg19) VCF-style: chr22-29115407-T-TA.
Other names: c.787dup, p.Tyr263fs (NM_001005735.3, NM_001438294.1); c.-6dup (NM_001257387.3, NM_001437942.1); c.751dup, p.Tyr251fs (NM_001438293.1, NM_001438295.1); c.658dup, p.Tyr220fs (NM_145862.3); c.482+5466dup (NM_001349956.3); short protein forms Y220fs, Y263fs, Y251fs.
Identifiers: ClinVar variation 1073905 (VCV001073905.8), dbSNP rs2146005603, ClinGen allele CA2499226092.
Genomic context (GRCh38, chr22:28,719,419, plus strand): 5'-AAAAATTAAGTGCATTTATATAAGAAAATAATTTACCTTCCAAGAGTTTTTGACATGATG[T>TA]ATTCATCTCTTAATGCCTTAGGATAAACTGACTGATCATCTACAGTCAGATCAAAAAAGA-3'

ClinVar aggregate classification (germline): Pathogenic (1 of 4 stars; one submission).

Conditions:
Familial cancer of breast. Also called: Hereditary breast cancer; hereditary breast carcinoma; BREAST CANCER, FAMILIAL. Identifiers: Orphanet 227535, MedGen C0346153, MONDO:0016419, OMIM 114480. Disease mechanism: loss of function.

Submission:

Labcorp Genetics (formerly Invitae), Labcorp
Classification: Pathogenic for Familial cancer of breast. Last evaluated: 2020-02-05. Review status: criteria provided, single submitter. Criteria: Invitae Variant Classification Sherloc (09022015). Collection method: clinical testing. Allele origin: germline.
Comment: For these reasons, this variant has been classified as Pathogenic. Loss-of-function variants in CHEK2 are known to be pathogenic (PMID: 21876083, 24713400). This variant has not been reported in the literature in individuals with CHEK2-related conditions. This variant is not present in population databases (ExAC no frequency). This sequence change creates a premature translational stop signal (p.Tyr220Leufs*25) in the CHEK2 gene. It is expected to result in an absent or disrupted protein product.

Literature cited by the submitters: PubMed 21876083; PubMed 24713400.